The following is an entry in ClinVar:

NM_001042492.3(NF1):c.2709G>A (p.Val903=)

Gene: NF1 (neurofibromin 1; plus strand). Cytogenetic location: 17q11.2.
Variant type: single nucleotide variant.
Coding change: c.2709G>A on transcript NM_001042492.3 (MANE Select); coding-DNA position 2709, G replaced by A.
Protein change: p.Val903=; no amino-acid change (valine 903 retained).
Molecular consequence: synonymous variant.
Genome position (GRCh38, 1-based): chr17:31,229,324, G>A. VCF-style: chr17-31229324-G-A. GRCh37 (hg19) VCF-style: chr17-29556342-G-A.
Other names: c.2709G>A, p.Val903= (NM_000267.4).
Identifiers: ClinVar variation 373958 (VCV000373958.23), dbSNP rs771820789, ClinGen allele CA16043524.

ClinVar aggregate classification (germline): Pathogenic. Review status: criteria provided, multiple submitters, no conflicts (2 of 4 stars). 8 submissions from 8 submitters: Pathogenic (6). 2 of the submissions do not count toward it. Last evaluated 2026-04-01.

Conditions:
Hereditary cancer-predisposing syndrome. Also called: Hereditary neoplastic syndrome; Neoplastic Syndromes, Hereditary; Hereditary Cancer Syndrome; Tumor predisposition. Identifiers: Orphanet 140162, MedGen C0027672, MeSH D009386, MONDO:0015356.
Neurofibromatosis, type 1 (NF1). Also called: VON RECKLINGHAUSEN DISEASE; Peripheral type neurofibromatosis; NEUROFIBROMATOSIS, TYPE I, SOMATIC; Neurofibromatosis, type I. Identifiers: Orphanet 636, MedGen C0027831, MONDO:0018975, OMIM 162200. Disease mechanism: loss of function.
Juvenile myelomonocytic leukemia (JMML). Also called: LEUKEMIA, JUVENILE MYELOMONOCYTIC, SOMATIC. Identifiers: Orphanet 86834, MedGen C0349639, MONDO:0011908, OMIM 607785, HP:0012209.

Submissions (8):

Department of Genetics, Sultan Qaboos University Hospital
Classification: Pathogenic for Neurofibromatosis, type 1. Last evaluated: 2026-04-01. Review status: criteria provided, single submitter. Criteria: ACMG Guidelines, 2015. Collection method: clinical testing. Allele origin: germline. Affected: yes. Observed: 1 variant allele.
Comment: PM2,PP3,PP5_Very_Strong

Labcorp Genetics (formerly Invitae), Labcorp
Classification: Pathogenic for Neurofibromatosis, type 1. Last evaluated: 2025-12-09. Review status: criteria provided, single submitter. Criteria: Invitae Variant Classification Sherloc (09022015). Collection method: clinical testing. Allele origin: germline.
Comment: This sequence change affects codon 903 of the NF1 mRNA. It is a 'silent' change, meaning that it does not change the encoded amino acid sequence of the NF1 protein. RNA analysis indicates that this variant induces altered splicing and likely results in the loss of 48 amino acid residue(s), but is expected to preserve the integrity of the reading-frame. This variant is not present in population databases (gnomAD no frequency). This variant has been observed in individual(s) with neurofibromatosis type 1 (NF1) (PMID: 17311297, 18041031, 25074460, 29449315, 29618358). Invitae Evidence Modeling of clinical and family history, age, sex, and reported ancestry of multiple individuals with this NF1 variant has been performed. This variant is expected to be pathogenic with a positive predictive value of at least 99%. This is a validated machine learning model that incorporates the clinical features of 1,785,918 individuals referred to our laboratory for NF1 testing. ClinVar contains an entry for this variant (Variation ID: 373958). Studies have shown that this variant results in the activation of a cryptic splice site in exon 21 (PMID: 17311297, 18041031; internal data). For these reasons, this variant has been classified as Pathogenic.

GeneDx
Classification: Pathogenic. Last evaluated: 2025-06-11. Review status: criteria provided, single submitter. Criteria: GeneDx Variant Classification Process June 2021. Collection method: clinical testing. Allele origin: germline. Affected: yes.
Comment: Not observed at significant frequency in large population cohorts (gnomAD); Published functional studies demonstrate a damaging effect: causes abnormal splicing resulting in in-frame loss of a portion of the protein (PMID: 18041031, 17311297); This variant is associated with the following publications: (PMID: 29618358, 25074460, 32392612, 17311297, 18041031, 29449315, 35626031, 25486365, 2121369)

Baylor Genetics
Classification: Pathogenic for Juvenile myelomonocytic leukemia. Last evaluated: 2023-02-14. Review status: criteria provided, single submitter. Criteria: ACMG Guidelines, 2015. Collection method: clinical testing. Allele origin: unknown.

Genome-Nilou Lab
Classification: Pathogenic for Neurofibromatosis, type 1. Last evaluated: 2022-03-15. Review status: criteria provided, single submitter. Criteria: ACMG Guidelines, 2015. Collection method: clinical testing. Allele origin: germline. Affected: no.

Ambry Genetics
Classification: Pathogenic for Hereditary cancer-predisposing syndrome. Last evaluated: 2014-12-31. Review status: criteria provided, single submitter. Criteria: Ambry Autosomal Dominant and X-Linked criteria (10/2015). Collection method: clinical testing. Allele origin: germline. Observed: 1 variant allele.
Comment: The <span style="font-size:13.3333339691162px">c.2709G>Apathogenic mutation (also known as <span style="font-size:13.3333339691162px">p.V903V) located in coding exon 21, results from a G to A substitution at nucleotide position 2709 of the NF1 gene. This nucleotide substitution does not change the encodedamino acid at codon 903. <span style="font-size:13.3333339691162px">This nucleotide position is not well conservedin available vertebrate species. Both of the two in silico splice site prediction tools, FruitFly andESEfinder,predictthe creation of a new alternate splice donor site.This mutationwas seen in twoindividuals who met NIH clinical criteria for NF1andmRNA studies in both showed that this nucleotide substitutionresultedin an alternatesplice donor site and consequentskipping ofthe last 144 nucleotides of exon 21at the cDNAlevel <span style="font-size:13.3333339691162px">(Wimmer K, et al. Hum. Mutat. 2007;28(6):599-612;Brinckmann A, et al. Electrophoresis 2007;28(23):4295-301).<span style="font-size:13.3333339691162px">Based on the supporting evidence, <span style="font-size:13.3333339691162px">c.2709G>Ais interpreted as a disease-causing mutation.

Carson lab, Ohio State University Comprehensive Cancer Center
Classification: Pathogenic for Neurofibromatosis, type 1. Last evaluated: 2018-02-03. Review status: no assertion criteria provided. Collection method: research. Allele origin: germline. Affected: yes. Observed: 1 variant allele, 1 heterozygote. Not counted in ClinVar's aggregate classification.
Comment: Although this variant at c.2709[G>A] is synonymous, it has been reported previously to introduce a cryptic splice donor site, thereby resulting in deletion of downstream codons and putative changes in neurofibromin protein expression and function.

Centre for Mendelian Genomics, University Medical Centre Ljubljana
Classification: Pathogenic for Neurofibromatosis, type 1. Last evaluated: 2016-02-15. Review status: no assertion criteria provided. Collection method: clinical testing. Allele origin: unknown. Affected: yes. Not counted in ClinVar's aggregate classification.

Literature cited by the submitters: PubMed 17311297 (cited by Labcorp Genetics (formerly Invitae), Labcorp and Ambry Genetics); PubMed 18041031 (cited by Labcorp Genetics (formerly Invitae), Labcorp and Ambry Genetics); PubMed 25074460 (cited by Labcorp Genetics (formerly Invitae), Labcorp); PubMed 29449315 (cited by Labcorp Genetics (formerly Invitae), Labcorp and Carson lab, Ohio State University Comprehensive Cancer Center); PubMed 29618358 (cited by Labcorp Genetics (formerly Invitae), Labcorp).